The following is an entry in ClinVar:

NM_024685.4(BBS10):c.568_571del (p.Ile190fs)

Gene: BBS10 (Bardet-Biedl syndrome 10; minus strand). Cytogenetic location: 12q21.2.
Variant type: Microsatellite.
Coding change: c.568_571del on transcript NM_024685.4 (MANE Select); coding-DNA positions 568 to 571, 4 bases deleted (ATTT; older notation c.568_571delATTT).
Protein change: p.Ile190fs; shifts the reading frame from isoleucine 190.
Molecular consequence: frameshift variant.
Genome position (GRCh38, 1-based): chr12:76,347,414-76,347,417, AAAT deleted on the plus strand (ATTT on the coding strand, the reverse complement: BBS10 is on the minus strand); deleting any 4 consecutive bases within chr12:76,347,414-76,347,421 gives the same sequence; the c. name uses the placement nearest the transcript's 3' end. VCF-style (leftmost placement, unchanged base first): chr12-76347413-GAAAT-G. GRCh37 (hg19) VCF-style: chr12-76741193-GAAAT-G.
Other names: c.568_571del (NM_024685.3); short protein forms I190fs.
Identifiers: ClinVar variation 370142 (VCV000370142.12), dbSNP rs1057516266, ClinGen allele CA16041586.

ClinVar aggregate classification (germline): Pathogenic/Likely pathogenic. Review status: criteria provided, multiple submitters, no conflicts (2 of 4 stars). 4 submissions from 4 submitters: Pathogenic (1); Likely pathogenic (2). 1 of the submissions does not count toward it. Last evaluated 2025-02-10.

Conditions:
Bardet-Biedl syndrome 10 (BBS10). Identifiers: Orphanet 110, MedGen C1859568, MONDO:0014438, OMIM 615987.
Bardet-Biedl syndrome (BBS). Identifiers: Orphanet 110, MedGen C0752166, MONDO:0015229.

Submissions (4):

Labcorp Genetics (formerly Invitae), Labcorp
Classification: Pathogenic for Bardet-Biedl syndrome. Last evaluated: 2025-02-10. Review status: criteria provided, single submitter. Criteria: Invitae Variant Classification Sherloc (09022015). Collection method: clinical testing. Allele origin: germline.
Comment: This sequence change creates a premature translational stop signal (p.Ile190Hisfs*3) in the BBS10 gene. While this is not anticipated to result in nonsense mediated decay, it is expected to disrupt the last 534 amino acid(s) of the BBS10 protein. This variant is present in population databases (no rsID available, gnomAD 0.003%). This variant has not been reported in the literature in individuals affected with BBS10-related conditions. This variant disrupts a region of the BBS10 protein in which other variant(s) (p.Val707*) have been determined to be pathogenic (PMID: 20472660, 22773737, 25982971, 27486776). This suggests that this is a clinically significant region of the protein, and that variants that disrupt it are likely to be disease-causing. For these reasons, this variant has been classified as Pathogenic.

Natera, Inc.
Classification: Likely pathogenic for Bardet-Biedl syndrome type 10. Last evaluated: 2024-12-30. Review status: criteria provided, single submitter. Criteria: Natera Variant Classification Schema (03/2026). Collection method: clinical testing. Allele origin: germline.
Comment: The c.568_571delATTT variant in BBS10 is a frameshift variant predicted to shift the reading frame beginning at codon 190 and leads to a stop codon 3 codons downstream. This variant is expected to result in nonsense mediated decay, truncation, or a dysfunctional protein product. This variant is rare in the general population with a frequency below the threshold expected for the associated phenotype(s). Given the available evidence, this variant is classified as Likely Pathogenic.

GeneDx
Classification: Likely pathogenic. Last evaluated: 2024-09-15. Review status: criteria provided, single submitter. Criteria: GeneDx Variant Classification Process June 2021. Collection method: clinical testing. Allele origin: germline. Affected: yes.
Comment: Reported previously in an unaffected carrier; however, no further information was provided (PMID: 31964843); Frameshift variant predicted to result in abnormal protein length as the last 534 amino acid(s) are replaced with 2 different amino acid(s), and other similar variants have been reported in HGMD; Not observed at significant frequency in large population cohorts (gnomAD); This variant is associated with the following publications: (PMID: 31964843)

Counsyl
Classification: Likely pathogenic for Bardet-Biedl syndrome 10. Last evaluated: 2015-11-25. Review status: no assertion criteria provided. Collection method: clinical testing. Allele origin: unknown. Not counted in ClinVar's aggregate classification.

Literature cited by the submitters: PubMed 20472660 (cited by Labcorp Genetics (formerly Invitae), Labcorp); PubMed 22773737 (cited by Labcorp Genetics (formerly Invitae), Labcorp); PubMed 25982971 (cited by Labcorp Genetics (formerly Invitae), Labcorp); PubMed 27486776 (cited by Labcorp Genetics (formerly Invitae), Labcorp).